The following is an entry in ClinVar:

NM_005458.8(GABBR2):c.2354C>T (p.Thr785Ile)

Gene: GABBR2 (gamma-aminobutyric acid type B receptor subunit 2; minus strand). Cytogenetic location: 9q22.33.
Variant type: single nucleotide variant.
Coding change: c.2354C>T on transcript NM_005458.8 (MANE Select); coding-DNA position 2354, C replaced by T.
Protein change: p.Thr785Ile; replaces threonine 785 with isoleucine.
Molecular consequence: missense variant.
Genome position (GRCh38, 1-based): chr9:98,303,299, G>A on the plus strand (C>T on the coding strand, the complement: GABBR2 is on the minus strand). VCF-style: chr9-98303299-G-A. GRCh37 (hg19) VCF-style: chr9-101065581-G-A.
Other names: c.2354C>T (NM_005458.7); short protein forms T785I.
Identifiers: ClinVar variation 3769404 (VCV003769404.3).

ClinVar aggregate classification (germline): Uncertain significance. Review status: criteria provided, multiple submitters, no conflicts (2 of 4 stars). 2 submissions from 2 submitters: Uncertain significance (2). Last evaluated 2025-08-05.

Conditions:
Inborn genetic diseases. Identifiers: MedGen C0950123, MeSH D030342.

gnomAD v4.1: 14 of 1,614,192 alleles (0.00087%); highest among the groups gnomAD compares: South Asian, 0.0022%; no homozygotes.

Submissions (2):

Ambry Genetics
Classification: Uncertain significance for Inborn genetic diseases. Last evaluated: 2025-08-05. Review status: criteria provided, single submitter. Criteria: Ambry Variant Classification Scheme 2023. Collection method: clinical testing. Allele origin: germline.

Women's Health and Genetics/Laboratory Corporation of America, LabCorp
Classification: Uncertain significance. Last evaluated: 2025-01-31. Review status: criteria provided, single submitter. Criteria: LabCorp Variant Classification Summary - May 2015. Collection method: clinical testing. Allele origin: germline.
Comment: Variant summary: GABBR2 c.2354C>T (p.Thr785Ile) results in a non-conservative amino acid change in the encoded protein sequence. Three of five in-silico tools predict a benign effect of the variant on protein function. The variant allele was found at a frequency of 8e-06 in 251444 control chromosomes (gnomAD). The available data on variant occurrences in the general population are insufficient to allow any conclusion about variant significance. To our knowledge, no occurrence of c.2354C>T in individuals affected with Early Infantile Epileptic Encephalopathy 59 and no experimental evidence demonstrating its impact on protein function have been reported. No submitters have cited clinical-significance assessments for this variant to ClinVar. Based on the evidence outlined above, the variant was classified as uncertain significance.